The following is an entry in ClinVar:

NM_000631.5(NCF4):c.641G>A (p.Gly214Glu)

Gene: NCF4 (neutrophil cytosolic factor 4; plus strand). Cytogenetic location: 22q12.3.
Variant type: single nucleotide variant.
Coding change: c.641G>A on transcript NM_000631.5 (MANE Select); coding-DNA position 641, G replaced by A.
Protein change: p.Gly214Glu; replaces glycine 214 with glutamic acid.
Molecular consequence: missense variant.
Genome position (GRCh38, 1-based): chr22:36,875,666, G>A. VCF-style: chr22-36875666-G-A. GRCh37 (hg19) VCF-style: chr22-37271708-G-A.
Other names: c.641G>A, p.Gly214Glu (NM_013416.4); short protein forms G214E.
Identifiers: ClinVar variation 1041365 (VCV001041365.12), dbSNP rs1250298096, ClinGen allele CA411388297.

ClinVar aggregate classification (germline): Uncertain significance (1 of 4 stars; one submission).

Conditions:
Granulomatous disease, chronic, autosomal recessive, cytochrome b-positive, type 3. Also called: GRANULOMATOUS DISEASE, CHRONIC, AUTOSOMAL RECESSIVE, 3; GRANULOMATOUS DISEASE, CHRONIC, DUE TO NCF4 DEFICIENCY; Granulomatous disease, chronic, autosomal recessive, cytochrome b-positive, type III; CGD, AUTOSOMAL RECESSIVE CYTOCHROME b-POSITIVE, TYPE III. Identifiers: Orphanet 379, MedGen C3151409, MONDO:0013507, OMIM 613960.

Allele frequency attached by ClinVar (database versions not stated): gnomAD exomes below 0.00001.
gnomAD v4.1: 2 of 1,611,956 alleles (0.00012%); highest among the groups gnomAD compares: East Asian, 0.0045%; no homozygotes.

Submission:

Labcorp Genetics (formerly Invitae), Labcorp
Classification: Uncertain significance for Granulomatous disease, chronic, autosomal recessive, cytochrome b-positive, type 3. Last evaluated: 2022-08-23. Review status: criteria provided, single submitter. Criteria: Invitae Variant Classification Sherloc (09022015). Collection method: clinical testing. Allele origin: germline.
Comment: This sequence change replaces glycine, which is neutral and non-polar, with glutamic acid, which is acidic and polar, at codon 214 of the NCF4 protein (p.Gly214Glu). This variant is not present in population databases (gnomAD no frequency). This variant has not been reported in the literature in individuals affected with NCF4-related conditions. ClinVar contains an entry for this variant (Variation ID: 1041365). Algorithms developed to predict the effect of missense changes on protein structure and function are either unavailable or do not agree on the potential impact of this missense change (SIFT: "Tolerated"; PolyPhen-2: "Probably Damaging"; Align-GVGD: "Class C0"). In summary, the available evidence is currently insufficient to determine the role of this variant in disease. Therefore, it has been classified as a Variant of Uncertain Significance.